The following is an entry in ClinVar:

ClinVar aggregate classification (germline): Pathogenic/Likely pathogenic. Review status: criteria provided, multiple submitters, no conflicts (2 of 4 stars). 2 submissions from 2 submitters: Pathogenic (1); Likely pathogenic (1). Last evaluated 2025-06-12.

Conditions:
Joubert syndrome and related disorders. Identifiers: Orphanet 140874, MedGen C5679612, MONDO:0015369.
Nephronophthisis. Also called: Juvenile Nephronophthisis. Identifiers: Orphanet 655, MedGen C0687120, MONDO:0019005, HP:0000090.

Submissions (2):

Labcorp Genetics (formerly Invitae), Labcorp
Classification: Pathogenic for Nephronophthisis. Last evaluated: 2025-06-12. Review status: criteria provided, single submitter. Criteria: Invitae Variant Classification Sherloc (09022015). Collection method: clinical testing. Allele origin: germline.
Comment: This sequence change creates a premature translational stop signal (p.Gln511*) in the NPHP3 gene. It is expected to result in an absent or disrupted protein product. Loss-of-function variants in NPHP3 are known to be pathogenic (PMID: 18371931, 23559409). This variant is not present in population databases (gnomAD no frequency). This variant has not been reported in the literature in individuals affected with NPHP3-related conditions. ClinVar contains an entry for this variant (Variation ID: 2416723). Algorithms developed to predict the effect of sequence changes on RNA splicing suggest that this variant may disrupt the consensus splice site. For these reasons, this variant has been classified as Pathogenic.

Women's Health and Genetics/Laboratory Corporation of America, LabCorp
Classification: Likely pathogenic for Joubert syndrome and related disorders. Last evaluated: 2023-01-04. Review status: criteria provided, single submitter. Criteria: LabCorp Variant Classification Summary - May 2015. Collection method: clinical testing. Allele origin: germline.
Comment: Variant summary: NPHP3 c.1531C>T (p.Gln511X) results in a premature termination codon, predicted to cause a truncation of the encoded protein or absence of the protein due to nonsense mediated decay, which are commonly known mechanisms for disease. Truncations downstream of this position have been classified as pathogenic by our laboratory. The variant was absent in 251246 control chromosomes (gnomAD). To our knowledge, no occurrence of c.1531C>T in individuals affected with Joubert Syndrome And Related Disorders and no experimental evidence demonstrating its impact on protein function have been reported. No clinical diagnostic laboratories have submitted clinical-significance assessments for this variant to ClinVar after 2014. Based on the evidence outlined above, the variant was classified as likely pathogenic.

Literature cited by the submitters: PubMed 18371931 (cited by Labcorp Genetics (formerly Invitae), Labcorp); PubMed 23559409 (cited by Labcorp Genetics (formerly Invitae), Labcorp).

NM_153240.5(NPHP3):c.1531C>T (p.Gln511Ter)

Genes: NPHP3-ACAD11 (NPHP3-ACAD11 readthrough (NMD candidate); minus strand), NPHP3 (nephrocystin 3; minus strand). Cytogenetic location: 3q22.1.
Variant type: single nucleotide variant.
Coding change: c.1531C>T on transcript NM_153240.5 (MANE Select); coding-DNA position 1531, C replaced by T.
Protein change: p.Gln511Ter; replaces glutamine 511 with a stop codon.
Molecular consequence: nonsense. On other transcripts: non-coding transcript variant (1).
Genome position (GRCh38, 1-based): chr3:132,701,527, G>A on the plus strand (C>T on the coding strand, the complement: NPHP3 is on the minus strand). VCF-style: chr3-132701527-G-A. GRCh37 (hg19) VCF-style: chr3-132420371-G-A.
Other names: c.1531C>T (NM_153240.4); short protein forms Q511*.
Identifiers: ClinVar variation 2416723 (VCV002416723.7), dbSNP rs901182419, ClinGen allele CA83593531.